The following is an entry in ClinVar:

NM_173560.4(RFX6):c.738C>T (p.Ser246=)

Gene: RFX6 (regulatory factor X6; plus strand). Cytogenetic location: 6q22.1.
Variant type: single nucleotide variant.
Coding change: c.738C>T on transcript NM_173560.4 (MANE Select); coding-DNA position 738, C replaced by T.
Protein change: p.Ser246=; no amino-acid change (serine 246 retained).
Molecular consequence: synonymous variant.
Genome position (GRCh38, 1-based): chr6:116,911,000, C>T. VCF-style: chr6-116911000-C-T. GRCh37 (hg19) VCF-style: chr6-117232163-C-T.
Other names: c.738C>T (NM_173560.3).
Identifiers: ClinVar variation 1662345 (VCV001662345.9), dbSNP rs372387409, ClinGen allele CA3973124.

ClinVar aggregate classification (germline): Likely benign. Review status: criteria provided, multiple submitters, no conflicts (2 of 4 stars). 2 submissions from 2 submitters: Likely benign (2). Last evaluated 2026-07-20.

Conditions:
RFX6-related disorder. Also called: RFX6-related condition.

Allele frequency attached by ClinVar (database versions not stated): gnomAD 0.00005 and 0.00006; gnomAD exomes 0.00006 and 0.00012; TOPMed 0.00007; ESP Exome Variant Server 0.00008; ExAC 0.00012.
gnomAD v4.1: 101 of 1,613,250 alleles (0.0063%); highest among the groups gnomAD compares: Admixed American, 0.023%; no homozygotes.

Submissions (2):

PreventionGenetics, part of Exact Sciences
Classification: Likely benign for RFX6-related condition. Last evaluated: 2026-07-20. Review status: criteria provided, single submitter. Criteria: ACMG Guidelines, 2015. Collection method: clinical testing. Allele origin: germline.
Comment: This variant is classified as likely benign based on ACMG/AMP sequence variant interpretation guidelines (Richards et al. 2015 PMID: 25741868, with internal and published modifications).

Labcorp Genetics (formerly Invitae), Labcorp
Classification: Likely benign. Last evaluated: 2025-08-26. Review status: criteria provided, single submitter. Criteria: Invitae Variant Classification Sherloc (09022015). Collection method: clinical testing. Allele origin: germline.